The following is an entry in ClinVar:

NM_004113.6(FGF12):c.413C>T (p.Pro138Leu)

Gene: FGF12 (fibroblast growth factor 12; minus strand). Cytogenetic location: 3q28.
Variant type: single nucleotide variant.
Coding change: c.413C>T on transcript NM_004113.6 (MANE Select); coding-DNA position 413, C replaced by T.
Protein change: p.Pro138Leu; replaces proline 138 with leucine.
Molecular consequence: missense variant.
Genome position (GRCh38, 1-based): chr3:192,170,472, G>A on the plus strand (C>T on the coding strand, the complement: FGF12 is on the minus strand). VCF-style: chr3-192170472-G-A. GRCh37 (hg19) VCF-style: chr3-191888261-G-A.
Other names: c.302C>T, p.Pro101Leu (NM_001377292.1); c.341C>T, p.Pro114Leu (NM_001377293.1, NM_001377294.1); c.599C>T, p.Pro200Leu (NM_021032.5); short protein forms P101L, P114L, P138L, P200L.
Identifiers: ClinVar variation 3372533 (VCV003372533.2).

ClinVar aggregate classification (germline): Uncertain significance. Review status: criteria provided, multiple submitters, no conflicts (2 of 4 stars). 2 submissions from 2 submitters: Uncertain significance (2). Last evaluated 2024-07-14.

Conditions:
Inborn genetic diseases. Identifiers: MedGen C0950123, MeSH D030342.

gnomAD v4.1: 2 of 1,613,662 alleles (0.00012%); highest among the groups gnomAD compares: East Asian, 0.0022%; no homozygotes.

Submissions (2):

Ambry Genetics
Classification: Uncertain significance for Inborn genetic diseases. Last evaluated: 2024-07-14. Review status: criteria provided, single submitter. Criteria: Ambry Variant Classification Scheme 2023. Collection method: clinical testing. Allele origin: germline.

GeneDx
Classification: Uncertain significance. Last evaluated: 2024-04-12. Review status: criteria provided, single submitter. Criteria: GeneDx Variant Classification Process June 2021. Collection method: clinical testing. Allele origin: germline. Affected: yes.
Comment: In silico analysis supports that this missense variant has a deleterious effect on protein structure/function; Has not been previously published as pathogenic or benign to our knowledge